The following is an entry in ClinVar:

ClinVar aggregate classification (germline): Uncertain significance (1 of 4 stars; one submission).

Conditions:
Primary familial hypertrophic cardiomyopathy (HCM). Identifiers: Orphanet 99739, MedGen C0949658, MeSH D024741, MONDO:0024573. Inheritance: Various modes of inheritance.

Allele frequency attached by ClinVar (database versions not stated): gnomAD exomes 0.00001 and 0.00004; TOPMed 0.00001; gnomAD 0.00002.
gnomAD v4.1: 68 of 1,614,110 alleles (0.0042%); highest among the groups gnomAD compares: Non-Finnish European, 0.0056%; no homozygotes.

Submission:

Labcorp Genetics (formerly Invitae), Labcorp
Classification: Uncertain significance for Primary familial hypertrophic cardiomyopathy. Last evaluated: 2025-11-24. Review status: criteria provided, single submitter. Criteria: Invitae Variant Classification Sherloc (09022015). Collection method: clinical testing. Allele origin: germline.
Comment: This sequence change replaces methionine, which is neutral and non-polar, with isoleucine, which is neutral and non-polar, at codon 449 of the ILK protein (p.Met449Ile). This variant is present in population databases (no rsID available, gnomAD 0.003%). This variant has not been reported in the literature in individuals affected with ILK-related conditions. ClinVar contains an entry for this variant (Variation ID: 1466199). An algorithm developed to predict the effect of missense changes on protein structure and function (PolyPhen-2) suggests that this variant is likely to be disruptive. In summary, the available evidence is currently insufficient to determine the role of this variant in disease. Therefore, it has been classified as a Variant of Uncertain Significance.

NM_004517.4(ILK):c.1347G>A (p.Met449Ile)

Genes: TAF10 (TATA-box binding protein associated factor 10; minus strand), ILK (integrin linked kinase; plus strand). Cytogenetic location: 11p15.4.
Variant type: single nucleotide variant.
Coding change: c.1347G>A on transcript NM_004517.4 (MANE Select); coding-DNA position 1347, G replaced by A.
Protein change: p.Met449Ile; replaces methionine 449 with isoleucine.
Molecular consequence: missense variant. On other transcripts: 3 prime UTR variant (1).
Genome position (GRCh38, 1-based): chr11:6,610,599, G>A. VCF-style: chr11-6610599-G-A. GRCh37 (hg19) VCF-style: chr11-6631830-G-A.
Other names: c.1347G>A, p.Met449Ile (NM_001014794.3, NM_001014795.3); c.1164G>A, p.Met388Ile (NM_001278441.2); c.945G>A, p.Met315Ile (NM_001278442.2); c.*323C>T (NM_006284.4); short protein forms M315I, M449I, M388I.
Identifiers: ClinVar variation 1466199 (VCV001466199.6), dbSNP rs1323106962, ClinGen allele CA379468500.
Genomic context (GRCh38, chr11:6,610,599, plus strand): 5'-GAATGAAGACCCTGCAAAGCGACCCAAATTTGACATGATTGTGCCTATCCTTGAGAAGAT[G>A]CAGGACAAGTAGGACTGGAAGGTCCTTGCCTGAACTCCAGAGGTGTCGGGACATGGTTGG-3'
Protein context (NP_004508.1, residues 439-452): FDMIVPILEK[Met449Ile]QDK